The following is an entry in ClinVar:

NM_002470.4(MYH3):c.1372A>T (p.Ile458Phe)

Gene: MYH3 (myosin heavy chain 3; minus strand). Cytogenetic location: 17p13.1.
Variant type: single nucleotide variant.
Coding change: c.1372A>T on transcript NM_002470.4 (MANE Select); coding-DNA position 1372, A replaced by T.
Protein change: p.Ile458Phe; replaces isoleucine 458 with phenylalanine.
Molecular consequence: missense variant.
Genome position (GRCh38, 1-based): chr17:10,644,389, T>A on the plus strand (A>T on the coding strand, the complement: MYH3 is on the minus strand). VCF-style: chr17-10644389-T-A. GRCh37 (hg19) VCF-style: chr17-10547706-T-A.
Other names: short protein forms I458F.
Identifiers: ClinVar variation 2632255 (VCV002632255.1), dbSNP rs2508619868, ClinGen allele CA398174705.

ClinVar aggregate classification (germline): Uncertain significance (1 of 4 stars; one submission).

Conditions:
MYH3-related disorder. Also called: MYH3-Related Disorders; MYH3-related condition. Identifiers: MedGen CN239329.

Submission:

PreventionGenetics, part of Exact Sciences
Classification: Uncertain significance for MYH3-related condition. Last evaluated: 2023-06-09. Review status: criteria provided, single submitter. Criteria: ACMG Guidelines, 2015. Collection method: clinical testing. Allele origin: germline.
Comment: The MYH3 c.1372A>T variant is predicted to result in the amino acid substitution p.Ile458Phe. To our knowledge, this variant has not been reported in the literature or in a large population database, indicating this variant is rare. At this time, the clinical significance of this variant is uncertain due to the absence of conclusive functional and genetic evidence.